The following is an entry in ClinVar:

ClinVar aggregate classification (germline): Uncertain significance (1 of 4 stars; one submission).

Conditions:
Developmental and epileptic encephalopathy, 54. Also called: HNRNPU-Related Neurodevelopmental Disorder; Epileptic encephalopathy, early infantile, 54. Identifiers: MedGen C4479319, MONDO:0033363, OMIM 617391.

Submission:

Labcorp Genetics (formerly Invitae), Labcorp
Classification: Uncertain significance for Developmental and epileptic encephalopathy, 54. Last evaluated: 2024-01-19. Review status: criteria provided, single submitter. Criteria: Invitae Variant Classification Sherloc (09022015). Collection method: clinical testing. Allele origin: germline.
Comment: This sequence change replaces methionine, which is neutral and non-polar, with leucine, which is neutral and non-polar, at codon 538 of the HNRNPU protein (p.Met538Leu). This variant is not present in population databases (gnomAD no frequency). This variant has not been reported in the literature in individuals affected with HNRNPU-related conditions. Experimental studies and prediction algorithms are not available or were not evaluated, and the functional significance of this variant is currently unknown. In summary, the available evidence is currently insufficient to determine the role of this variant in disease. Therefore, it has been classified as a Variant of Uncertain Significance.

NM_031844.3(HNRNPU):c.1612A>T (p.Met538Leu)

Gene: HNRNPU (heterogeneous nuclear ribonucleoprotein U; minus strand). Cytogenetic location: 1q44.
Variant type: single nucleotide variant.
Coding change: c.1612A>T on transcript NM_031844.3 (MANE Select); coding-DNA position 1612, A replaced by T.
Protein change: p.Met538Leu; replaces methionine 538 with leucine.
Molecular consequence: missense variant.
Genome position (GRCh38, 1-based): chr1:244,857,600, T>A on the plus strand (A>T on the coding strand, the complement: HNRNPU is on the minus strand). VCF-style: chr1-244857600-T-A. GRCh37 (hg19) VCF-style: chr1-245020902-T-A.
Other names: c.1555A>T, p.Met519Leu (NM_004501.3); short protein forms M538L, M519L.
Identifiers: ClinVar variation 2710249 (VCV002710249.3), dbSNP rs2527508189, ClinGen allele CA345490559.